The following is an entry in ClinVar:

NM_144643.4(SCLT1):c.130G>A (p.Asp44Asn)

Gene: SCLT1 (sodium channel and clathrin linker 1; minus strand). Cytogenetic location: 4q28.2.
Variant type: single nucleotide variant.
Coding change: c.130G>A on transcript NM_144643.4 (MANE Select); coding-DNA position 130, G replaced by A.
Protein change: p.Asp44Asn; replaces aspartic acid 44 with asparagine.
Molecular consequence: missense variant.
Genome position (GRCh38, 1-based): chr4:129,044,024, C>T on the plus strand (G>A on the coding strand, the complement: SCLT1 is on the minus strand). VCF-style: chr4-129044024-C-T. GRCh37 (hg19) VCF-style: chr4-129965179-C-T.
Other names: c.130G>A, p.Asp44Asn (NM_001300897.2, NM_001300898.2); c.130G>A (NM_144643.3); short protein forms D44N.
Identifiers: ClinVar variation 1416515 (VCV001416515.8), dbSNP rs149071636, ClinGen allele CA3080060.

ClinVar aggregate classification (germline): Uncertain significance. Review status: criteria provided, multiple submitters, no conflicts (2 of 4 stars). 3 submissions from 3 submitters: Uncertain significance (2). 1 of the submissions does not count toward it. Last evaluated 2026-09-09.

Conditions:
SCLT1-related disorder. Also called: SCLT1-related condition.
Retinal dystrophy. Also called: Inherited retinal dystrophy. Identifiers: Orphanet 71862, MedGen C0854723, MeSH D058499, MONDO:0019118, HP:0000556.

Allele frequency attached by ClinVar (database versions not stated): gnomAD 0.00001; gnomAD exomes 0.00001 and 0.00003; TOPMed 0.00001; ExAC 0.00004; ESP Exome Variant Server 0.00008.

Submissions (3):

PreventionGenetics, part of Exact Sciences
Classification: Uncertain significance for SCLT1-related condition. Last evaluated: 2026-09-09. Review status: criteria provided, single submitter. Criteria: ACMG Guidelines, 2015. Collection method: clinical testing. Allele origin: germline.
Comment: The SCLT1 c.130G>A variant is predicted to result in the amino acid substitution p.Asp44Asn. To our knowledge, this variant has not been reported in the literature. This variant is reported in 0.014% of alleles in individuals of South Asian descent in gnomAD. At this time, the clinical significance of this variant is uncertain due to the absence of conclusive functional and genetic evidence.

Labcorp Genetics (formerly Invitae), Labcorp
Classification: Uncertain significance. Last evaluated: 2022-08-09. Review status: criteria provided, single submitter. Criteria: Invitae Variant Classification Sherloc (09022015). Collection method: clinical testing. Allele origin: germline.
Comment: In summary, the available evidence is currently insufficient to determine the role of this variant in disease. Therefore, it has been classified as a Variant of Uncertain Significance. Algorithms developed to predict the effect of missense changes on protein structure and function output the following: SIFT: "Deleterious"; PolyPhen-2: "Benign"; Align-GVGD: "Class C0". The asparagine amino acid residue is found in multiple mammalian species, which suggests that this missense change does not adversely affect protein function. ClinVar contains an entry for this variant (Variation ID: 1416515). This variant has not been reported in the literature in individuals affected with SCLT1-related conditions. This variant is present in population databases (rs149071636, gnomAD 0.01%). This sequence change replaces aspartic acid, which is acidic and polar, with asparagine, which is neutral and polar, at codon 44 of the SCLT1 protein (p.Asp44Asn).

Institute of Human Genetics, Univ. Regensburg, Univ. Regensburg
Classification: Uncertain significance for Retinal dystrophy. Last evaluated: 2022-01-01. Review status: no assertion criteria provided. Criteria: ACMG Guidelines, 2015. Collection method: clinical testing. Allele origin: germline. Affected: yes. Not counted in ClinVar's aggregate classification.